The following is an entry in ClinVar:

ClinVar aggregate classification (germline): Conflicting classifications of pathogenicity. Review status: criteria provided, conflicting classifications (1 of 4 stars). 3 submissions from 3 submitters: Uncertain significance (1); Likely benign (2). Last evaluated 2026-03-07.

Conditions:
Inborn genetic diseases. Identifiers: MedGen C0950123, MeSH D030342.
XYLT2-related disorder. Also called: XYLT2-related condition.

Allele frequency attached by ClinVar (database versions not stated): gnomAD 0.00005 and 0.00007; gnomAD exomes 0.00005 and 0.00021; TOPMed 0.00009; 1000 Genomes Project 30x 0.00016; ExAC 0.00046.
gnomAD v4.1: 83 of 1,577,082 alleles (0.0053%); highest among the groups gnomAD compares: East Asian, 0.11%; no homozygotes.

Submissions (4):

PreventionGenetics, part of Exact Sciences
Classification: Likely benign for XYLT2-related condition. Last evaluated: 2026-03-07. Review status: criteria provided, single submitter. Criteria: ACMG Guidelines, 2015. Collection method: clinical testing. Allele origin: germline.
Comment: This variant is classified as likely benign based on ACMG/AMP sequence variant interpretation guidelines (Richards et al. 2015 PMID: 25741868, with internal and published modifications).

Labcorp Genetics (formerly Invitae), Labcorp
Classification: Likely benign. Last evaluated: 2026-01-20. Review status: criteria provided, single submitter. Criteria: Invitae Variant Classification Sherloc (09022015). Collection method: clinical testing. Allele origin: germline.

Ambry Genetics
Classification: Uncertain significance for Inborn genetic diseases. Last evaluated: 2024-12-25. Review status: criteria provided, single submitter. Criteria: Ambry Variant Classification Scheme 2023. Collection method: clinical testing. Allele origin: germline.

Dr. Peter K. Rogan Lab, Western University
No classification provided (evidence only). Condition: Thyroid cancer, nonmedullary, 1. Review status: no classification provided. Collection method: in vitro. Allele origin: not applicable. Functional consequence: retained intron. Not counted in ClinVar's aggregate classification.

NM_022167.4(XYLT2):c.322C>T (p.Arg108Trp)

Gene: XYLT2 (xylosyltransferase 2; plus strand). Cytogenetic location: 17q21.33.
Variant type: single nucleotide variant.
Coding change: c.322C>T on transcript NM_022167.4 (MANE Select); coding-DNA position 322, C replaced by T.
Protein change: p.Arg108Trp; replaces arginine 108 with tryptophan.
Molecular consequence: missense variant.
Genome position (GRCh38, 1-based): chr17:50,353,816, C>T. VCF-style: chr17-50353816-C-T. GRCh37 (hg19) VCF-style: chr17-48431177-C-T.
Other names: short protein forms R108W.
Identifiers: ClinVar variation 726071 (VCV000726071.11), dbSNP rs764731332, ClinGen allele CA8646135.
Genomic context (GRCh38, chr17:50,353,816, plus strand): 5'-CCAGGAGTGCCCGTGGCCAAGGTGGTACGGGCAGTAACCAGCCGGCAGAGAGCCAGCCGG[C>T]GGGTCCCACCTGCCCCACCCCCGGAAGCCCCAGGCCGCCAGAACCTGAGTGGGGCAGCAG-3'
Protein context (NP_071450.2, residues 98-118): AVTSRQRASR[Arg108Trp]VPPAPPPEAP